The following is an entry in ClinVar:

ClinVar aggregate classification (germline): Uncertain significance. Review status: criteria provided, single submitter (1 of 4 stars). 2 submissions from 2 submitters: Uncertain significance (1). 1 of the submissions does not count toward it. Last evaluated 2016-10-31.

Conditions:
CENPF-related disorder. Also called: CENPF-related condition.

Allele frequency attached by ClinVar (database versions not stated): gnomAD exomes 0.00009 and 0.00030; TOPMed 0.00015; gnomAD 0.00022; ExAC 0.00027; 1000 Genomes Project 0.00040; 1000 Genomes Project 30x 0.00047.
gnomAD v4.1: 154 of 1,614,014 alleles (0.0095%); highest among the groups gnomAD compares: East Asian, 0.29%; 1 homozygote.

Submissions (2):

Genetic Services Laboratory, University of Chicago
Classification: Uncertain significance. Last evaluated: 2016-10-31. Review status: criteria provided, single submitter. Criteria: ACMG Guidelines, 2015. Collection method: clinical testing. Allele origin: germline. Affected: no.

PreventionGenetics, part of Exact Sciences
Classification: Likely benign for CENPF-related condition. Last evaluated: 2020-09-03. Review status: no assertion criteria provided. Collection method: clinical testing. Allele origin: germline. Not counted in ClinVar's aggregate classification.
Comment: This variant is classified as likely benign based on ACMG/AMP sequence variant interpretation guidelines (Richards et al. 2015 PMID: 25741868, with internal and published modifications).

NM_016343.4(CENPF):c.7721C>T (p.Ser2574Phe)

Gene: CENPF (centromere protein F; plus strand). Cytogenetic location: 1q41.
Variant type: single nucleotide variant.
Coding change: c.7721C>T on transcript NM_016343.4 (MANE Select); coding-DNA position 7721, C replaced by T.
Protein change: p.Ser2574Phe; replaces serine 2574 with phenylalanine.
Molecular consequence: missense variant.
Genome position (GRCh38, 1-based): chr1:214,647,291, C>T. VCF-style: chr1-214647291-C-T. GRCh37 (hg19) VCF-style: chr1-214820634-C-T.
Other names: short protein forms S2574F.
Identifiers: ClinVar variation 434709 (VCV000434709.8), dbSNP rs201477597, ClinGen allele CA1391167.